The following is an entry in ClinVar:

NM_001197104.2(KMT2A):c.8233A>G (p.Lys2745Glu)

Gene: KMT2A (lysine methyltransferase 2A; plus strand). Cytogenetic location: 11q23.3.
Variant type: single nucleotide variant.
Coding change: c.8233A>G on transcript NM_001197104.2 (MANE Select); coding-DNA position 8233, A replaced by G.
Protein change: p.Lys2745Glu; replaces lysine 2745 with glutamic acid.
Molecular consequence: missense variant.
Genome position (GRCh38, 1-based): chr11:118,504,125, A>G. VCF-style: chr11-118504125-A-G. GRCh37 (hg19) VCF-style: chr11-118374840-A-G.
Other names: c.8224A>G, p.Lys2742Glu (NM_005933.4); short protein forms K2745E, K2742E.
Identifiers: ClinVar variation 1482346 (VCV001482346.8), dbSNP rs2134397319, ClinGen allele CA382809330.

ClinVar aggregate classification (germline): Uncertain significance (1 of 4 stars; one submission).

Allele frequency attached by ClinVar (database versions not stated): gnomAD exomes below 0.00001.
gnomAD v4.1: 2 of 1,614,206 alleles (0.00012%); highest among the groups gnomAD compares: Non-Finnish European, 0.00017%; no homozygotes.

Submission:

Labcorp Genetics (formerly Invitae), Labcorp
Classification: Uncertain significance. Last evaluated: 2023-07-03. Review status: criteria provided, single submitter. Criteria: Invitae Variant Classification Sherloc (09022015). Collection method: clinical testing. Allele origin: germline.
Comment: Advanced modeling of protein sequence and biophysical properties (such as structural, functional, and spatial information, amino acid conservation, physicochemical variation, residue mobility, and thermodynamic stability) has been performed at Invitae for this missense variant, however the output from this modeling did not meet the statistical confidence thresholds required to predict the impact of this variant on KMT2A protein function. In summary, the available evidence is currently insufficient to determine the role of this variant in disease. Therefore, it has been classified as a Variant of Uncertain Significance. ClinVar contains an entry for this variant (Variation ID: 1482346). This variant has not been reported in the literature in individuals affected with KMT2A-related conditions. This variant is not present in population databases (gnomAD no frequency). This sequence change replaces lysine, which is basic and polar, with glutamic acid, which is acidic and polar, at codon 2745 of the KMT2A protein (p.Lys2745Glu).